The following is an entry in ClinVar:

ClinVar aggregate classification (germline): Uncertain significance. Review status: criteria provided, multiple submitters, no conflicts (2 of 4 stars). 3 submissions from 3 submitters: Uncertain significance (3). Last evaluated 2025-12-30.

Conditions:
Hereditary cancer-predisposing syndrome. Also called: Neoplastic Syndromes, Hereditary; Hereditary Cancer Syndrome; Tumor predisposition; Hereditary neoplastic syndrome. Identifiers: Orphanet 140162, MedGen C0027672, MeSH D009386, MONDO:0015356.

Allele frequency attached by ClinVar (database versions not stated): gnomAD exomes below 0.00001; TOPMed below 0.00001; gnomAD 0.00001.
gnomAD v4.1: 7 of 1,613,820 alleles (0.00043%); highest among the groups gnomAD compares: South Asian, 0.0011%; no homozygotes.

Submissions (3):

Labcorp Genetics (formerly Invitae), Labcorp
Classification: Uncertain significance. Last evaluated: 2025-12-30. Review status: criteria provided, single submitter. Criteria: Invitae Variant Classification Sherloc (09022015). Collection method: clinical testing. Allele origin: germline.
Comment: This sequence change replaces arginine, which is basic and polar, with histidine, which is basic and polar, at codon 586 of the CTNNA1 protein (p.Arg586His). This variant is present in population databases (no rsID available, gnomAD 0.003%). This variant has not been reported in the literature in individuals affected with CTNNA1-related conditions. ClinVar contains an entry for this variant (Variation ID: 945104). Invitae Evidence Modeling of protein sequence and biophysical properties (such as structural, functional, and spatial information, amino acid conservation, physicochemical variation, residue mobility, and thermodynamic stability) indicates that this missense variant is not expected to disrupt CTNNA1 protein function with a negative predictive value of 80%. In summary, the available evidence is currently insufficient to determine the role of this variant in disease. Therefore, it has been classified as a Variant of Uncertain Significance.

Ambry Genetics
Classification: Uncertain significance for Hereditary cancer-predisposing syndrome. Last evaluated: 2024-06-28. Review status: criteria provided, single submitter. Criteria: Ambry Variant Classification Scheme 2023. Collection method: clinical testing. Allele origin: germline.
Comment: The p.R586H variant (also known as c.1757G>A), located in coding exon 12 of the CTNNA1 gene, results from a G to A substitution at nucleotide position 1757. The arginine at codon 586 is replaced by histidine, an amino acid with highly similar properties. This amino acid position is highly conserved in available vertebrate species. In addition, the in silico prediction for this alteration is inconclusive. The evidence for this gene-disease relationship is limited; therefore, the clinical significance of this alteration is unclear.

GeneDx
Classification: Uncertain significance. Last evaluated: 2022-01-25. Review status: criteria provided, single submitter. Criteria: GeneDx Variant Classification Process June 2021. Collection method: clinical testing. Allele origin: germline. Affected: yes.
Comment: Not observed at significant frequency in large population cohorts (gnomAD); In silico analysis supports that this missense variant does not alter protein structure/function; Identified in an individual undergoing multigene panel testing, however this individual's personal and family history of cancer was not provided (Clark 2020); This variant is associated with the following publications: (PMID: 32051609)

NM_001903.5(CTNNA1):c.1757G>A (p.Arg586His)

Gene: CTNNA1 (catenin alpha 1; plus strand). Cytogenetic location: 5q31.2.
Variant type: single nucleotide variant.
Coding change: c.1757G>A on transcript NM_001903.5 (MANE Select); coding-DNA position 1757, G replaced by A.
Protein change: p.Arg586His; replaces arginine 586 with histidine.
Molecular consequence: missense variant.
Genome position (GRCh38, 1-based): chr5:138,925,265, G>A. VCF-style: chr5-138925265-G-A. GRCh37 (hg19) VCF-style: chr5-138260954-G-A.
Other names: c.1757G>A, p.Arg586His (NM_001290307.3, NM_001323982.2, NM_001323983.1 and 2 more transcripts); c.1448G>A, p.Arg483His (NM_001290309.3); c.1388G>A, p.Arg463His (NM_001290310.3); c.647G>A, p.Arg216His (NM_001290312.1, NM_001323987.1, NM_001323988.1 and 17 more transcripts); c.1664G>A, p.Arg555His (NM_001323986.2); c.308G>A, p.Arg103His (NM_001324006.1, NM_001324007.1, NM_001324008.1 and 2 more transcripts); c.554G>A, p.Arg185His (NM_001324011.1); c.404G>A, p.Arg135His (NM_001324012.1, NM_001324013.1); short protein forms R216H, R135H, R463H, R185H, R103H, R483H, R555H, R586H.
Identifiers: ClinVar variation 945104 (VCV000945104.12), dbSNP rs1325651636, ClinGen allele CA361132140.